The following is an entry in ClinVar:

ClinVar aggregate classification (germline): Uncertain significance (1 of 4 stars; one submission).

gnomAD v4.1: 1 of 1,528,424 alleles (0.000065%); highest among the groups gnomAD compares: Non-Finnish European, 0.00009%; no homozygotes.

Submission:

GeneDx
Classification: Uncertain significance. Last evaluated: 2023-07-13. Review status: criteria provided, single submitter. Criteria: GeneDx Variant Classification Process June 2021. Collection method: clinical testing. Allele origin: germline. Affected: yes.
Comment: Not observed at significant frequency in large population cohorts (gnomAD); In silico analysis supports that this missense variant does not alter protein structure/function; Has not been previously published as pathogenic or benign to our knowledge

NM_032119.4(ADGRV1):c.18911C>G (p.Thr6304Ser)

Gene: ADGRV1 (adhesion G protein-coupled receptor V1; plus strand). Cytogenetic location: 5q14.3.
Variant type: single nucleotide variant.
Coding change: c.18911C>G on transcript NM_032119.4 (MANE Select); coding-DNA position 18911, C replaced by G.
Protein change: p.Thr6304Ser; replaces threonine 6304 with serine.
Molecular consequence: missense variant. On other transcripts: non-coding transcript variant (1).
Genome position (GRCh38, 1-based): chr5:91,163,890, C>G. VCF-style: chr5-91163890-C-G. GRCh37 (hg19) VCF-style: chr5-90459707-C-G.
Other names: short protein forms T6304S.
Identifiers: ClinVar variation 3360844 (VCV003360844.1).